The following is an entry in ClinVar:

NM_001162501.2(TNRC6B):c.4059C>T (p.Asn1353=)

Gene: TNRC6B (trinucleotide repeat containing adaptor 6B; plus strand). Cytogenetic location: 22q13.1.
Variant type: single nucleotide variant.
Coding change: c.4059C>T on transcript NM_001162501.2 (MANE Select); coding-DNA position 4059, C replaced by T.
Protein change: p.Asn1353=; no amino-acid change (asparagine 1353 retained).
Molecular consequence: synonymous variant.
Genome position (GRCh38, 1-based): chr22:40,301,272, C>T. VCF-style: chr22-40301272-C-T. GRCh37 (hg19) VCF-style: chr22-40697276-C-T.
Other names: c.1647C>T, p.Asn549= (NM_001024843.2); c.3729C>T, p.Asn1243= (NM_015088.3); c.4059C>T (NM_001162501.1).
Identifiers: ClinVar variation 2653185 (VCV002653185.25), dbSNP rs368919901, ClinGen allele CA10247209.

ClinVar aggregate classification (germline): Likely benign. Review status: criteria provided, multiple submitters, no conflicts (2 of 4 stars). 3 submissions from 3 submitters: Likely benign (2). 1 of the submissions does not count toward it. Last evaluated 2024-11-11.

Conditions:
TNRC6B-related disorder. Also called: TNRC6B-related condition.

Allele frequency attached by ClinVar (database versions not stated): ExAC 0.00002; TOPMed 0.00004; gnomAD 0.00006.
gnomAD v4.1: 112 of 1,593,112 alleles (0.007%); highest among the groups gnomAD compares: Middle Eastern, 0.033%; no homozygotes.

Submissions (3):

Blueprint Genetics
Classification: Likely benign. Last evaluated: 2024-11-11. Review status: criteria provided, single submitter. Criteria: ACMG Guidelines, 2015. Collection method: clinical testing. Allele origin: germline.

CeGaT Center for Human Genetics Tuebingen
Classification: Likely benign. Last evaluated: 2022-09-01. Review status: criteria provided, single submitter. Criteria: CeGaT Center For Human Genetics Tuebingen Variant Classification Criteria Version 2. Collection method: clinical testing. Allele origin: germline. Affected: yes. Observed: 1 variant allele.
Comment: TNRC6B: BP4, BP7

PreventionGenetics, part of Exact Sciences
Classification: Likely benign for TNRC6B-related condition. Last evaluated: 2024-09-11. Review status: no assertion criteria provided. Collection method: clinical testing. Allele origin: germline. Not counted in ClinVar's aggregate classification.
Comment: This variant is classified as likely benign based on ACMG/AMP sequence variant interpretation guidelines (Richards et al. 2015 PMID: 25741868, with internal and published modifications).